The following is an entry in ClinVar:

NM_032119.4(ADGRV1):c.15539C>T (p.Thr5180Ile)

Gene: ADGRV1 (adhesion G protein-coupled receptor V1; plus strand). Cytogenetic location: 5q14.3.
Variant type: single nucleotide variant.
Coding change: c.15539C>T on transcript NM_032119.4 (MANE Select); coding-DNA position 15539, C replaced by T.
Protein change: p.Thr5180Ile; replaces threonine 5180 with isoleucine.
Molecular consequence: missense variant. On other transcripts: non-coding transcript variant (1).
Genome position (GRCh38, 1-based): chr5:90,810,799, C>T. VCF-style: chr5-90810799-C-T. GRCh37 (hg19) VCF-style: chr5-90106616-C-T.
Other names: short protein forms T5180I.
Identifiers: ClinVar variation 1006823 (VCV001006823.6), dbSNP rs1182068897, ClinGen allele CA360409960.
Genomic context (GRCh38, chr5:90,810,799, plus strand): 5'-ACCTCAGCACAAGCAAGACGACTACCATTCTGCAGCCAACCAACGTGGTTGCCATTGTTA[C>T]TGAGGCAACTGGTGTATCTGCCATCCCTGAGAAACTTGTCACCCTTCATGGCACACCTGC-3'
Protein context (NP_115495.3, residues 5170-5190): LQPTNVVAIV[Thr5180Ile]EATGVSAIPE

ClinVar aggregate classification (germline): Uncertain significance (1 of 4 stars; one submission).

Allele frequency attached by ClinVar (database versions not stated): gnomAD exomes below 0.00001 and 0.00001; TOPMed below 0.00001.
gnomAD v4.1: 2 of 1,613,992 alleles (0.00012%); highest among the groups gnomAD compares: East Asian, 0.0045%; no homozygotes.

Submission:

Labcorp Genetics (formerly Invitae), Labcorp
Classification: Uncertain significance. Last evaluated: 2021-08-27. Review status: criteria provided, single submitter. Criteria: Invitae Variant Classification Sherloc (09022015). Collection method: clinical testing. Allele origin: germline.
Comment: This sequence change replaces threonine with isoleucine at codon 5180 of the ADGRV1 protein (p.Thr5180Ile). The threonine residue is weakly conserved and there is a moderate physicochemical difference between threonine and isoleucine. This variant is not present in population databases (ExAC no frequency). This variant has not been reported in the literature in individuals affected with ADGRV1-related conditions. Algorithms developed to predict the effect of missense changes on protein structure and function are either unavailable or do not agree on the potential impact of this missense change (SIFT: "Tolerated"; PolyPhen-2: "Possibly Damaging"; Align-GVGD: "Class C0"). In summary, the available evidence is currently insufficient to determine the role of this variant in disease. Therefore, it has been classified as a Variant of Uncertain Significance.